The following is an entry in ClinVar:

ClinVar aggregate classification (germline): Uncertain significance (1 of 4 stars; one submission).

Conditions:
Inborn genetic diseases. Identifiers: MedGen C0950123, MeSH D030342.

gnomAD v4.1: 6 of 1,612,440 alleles (0.00037%); highest among the groups gnomAD compares: Non-Finnish European, 0.00051%; no homozygotes.

Submission:

Ambry Genetics
Classification: Uncertain significance for Inborn genetic diseases. Last evaluated: 2025-09-19. Review status: criteria provided, single submitter. Criteria: Ambry Variant Classification Scheme 2023. Collection method: clinical testing. Allele origin: germline.
Comment: The p.R163G variant (also known as c.487A>G), located in coding exon 5 of the ETV6 gene, results from an A to G substitution at nucleotide position 487. The arginine at codon 163 is replaced by glycine, an amino acid with dissimilar properties. This amino acid position is conserved. In addition, this alteration is predicted to be tolerated by in silico analysis. Based on the available evidence, the clinical significance of this variant remains unclear.

NM_001987.5(ETV6):c.487A>G (p.Arg163Gly)

Gene: ETV6 (ETS variant transcription factor 6; plus strand). Cytogenetic location: 12p13.2.
Variant type: single nucleotide variant.
Coding change: c.487A>G on transcript NM_001987.5 (MANE Select); coding-DNA position 487, A replaced by G.
Protein change: p.Arg163Gly; replaces arginine 163 with glycine.
Molecular consequence: missense variant.
Genome position (GRCh38, 1-based): chr12:11,869,447, A>G. VCF-style: chr12-11869447-A-G. GRCh37 (hg19) VCF-style: chr12-12022381-A-G.
Other names: c.460A>G, p.Arg154Gly (NM_001413914.1); c.223A>G, p.Arg75Gly (NM_001413915.1); c.487A>G, p.Arg163Gly (NM_001413916.1, NM_001413917.1); c.484A>G, p.Arg162Gly (NM_001413913.1); short protein forms R75G, R162G, R154G, R163G.
Identifiers: ClinVar variation 4618837 (VCV004618837.1).